The following is an entry in ClinVar:

ClinVar aggregate classification (germline): Uncertain significance (1 of 4 stars; one submission).

Conditions:
Huntington disease-like 1 (HDL1). Also called: HUNTINGTON-LIKE NEURODEGENERATIVE DISORDER 1; HUNTINGTON-LIKE NEURODEGENERATIVE DISORDER, AUTOSOMAL DOMINANT; PRION DISEASE, EARLY-ONSET, WITH PROMINENT PSYCHIATRIC FEATURES. Identifiers: Orphanet 157941, MedGen C1864112, MONDO:0011299, OMIM 603218.

Submission:

Labcorp Genetics (formerly Invitae), Labcorp
Classification: Uncertain significance for Huntington disease-like 1. Last evaluated: 2022-08-05. Review status: criteria provided, single submitter. Criteria: Invitae Variant Classification Sherloc (09022015). Collection method: clinical testing. Allele origin: germline.
Comment: This variant, c.227_228insTCATGGTGGTGGCTGGGGGCAGCCCCATGGTGGTGGCTGGGGGCAGCCTCATGGTGGTGGCTGGGGGCAGCCTCATGGTGGTGGCTGGGGGCAGCC, results in the insertion of 32 amino acid(s) of the PRNP protein (p.Pro60_Gln91dup), but otherwise preserves the integrity of the reading frame. This variant is not present in population databases (gnomAD no frequency). This variant has not been reported in the literature in individuals affected with PRNP-related conditions. In summary, the available evidence is currently insufficient to determine the role of this variant in disease. Therefore, it has been classified as a Variant of Uncertain Significance.

NM_000311.5(PRNP):c.227_228insTCATGGTGGTGGCTGGGGGCAGCCCCATGGTGGTGGCTGGGGGCAGCCTCATGGTGGTGGCTGGGGGCAGCCTCATGGTGGTGGCTGGGGGCAGCC (p.Gln91_Gly92insProHisGlyGlyGlyTrpGlyGlnProHisGlyGlyGlyTrpGlyGlnProHisGlyGlyGlyTrpGlyGlnProHisGlyGlyGlyTrpGlyGln)

Gene: PRNP (prion protein (Kanno blood group); plus strand). Cytogenetic location: 20p13.
Variant type: Microsatellite.
Coding change: c.227_228insTCATGGTGGTGGCTGGGGGCAGCCCCATGGTGGTGGCTGGGGGCAGCCTCATGGTGGTGGCTGGGGGCAGCCTCATGGTGGTGGCTGGGGGCAGCC on transcript NM_000311.5 (MANE Select); coding-DNA positions 227 to 228, TCATGGTGGTGGCTGGGGGCAGCCCCATGGTGGTGGCTGGGGGCAGCCTCATGGTGGTGGCTGGGGGCAGCCTCATGGTGGTGGCTGGGGGCAGCC inserted.
Protein change: p.Gln91_Gly92insProHisGlyGlyGlyTrpGlyGlnProHisGlyGlyGlyTrpGlyGlnProHisGlyGlyGlyTrpGlyGlnProHisGlyGlyGlyTrpGlyGln.
Molecular consequence: inframe insertion.
Genome position: GRCh38: chr20:4,699,380-4,699,447. GRCh37 (hg19): chr20:4,680,026-4,680,093.
Other names: c.227_228insTCATGGTGGTGGCTGGGGGCAGCCCCATGGTGGTGGCTGGGGGCAGCCTCATGGTGGTGGCTGGGGGCAGCCTCATGGTGGTGGCTGGGGGCAGCC, p.Gln91_Gly92insProHisGlyGlyGlyTrpGlyGlnProHisGlyGlyGlyTrpGlyGlnProHisGlyGlyGlyTrpGlyGlnProHisGlyGlyGlyTrpGlyGln (NM_001080121.3, NM_001080122.3, NM_001080123.3 and 1 more transcripts); c.138_139insTCATGGTGGTGGCTGGGGGCAGCCCCATGGTGGTGGCTGGGGGCAGCCTCATGGTGGTGGCTGGGGGCAGCCTCATGGTGGTGGCTGGGGGCAGCC, p.Ala46_Pro47insSerTrpTrpTrpLeuGlyAlaAlaProTrpTrpTrpLeuGlyAlaAlaSerTrpTrpTrpLeuGlyAlaAlaSerTrpTrpTrpLeuGlyAlaAla (NM_001271561.3).
Identifiers: ClinVar variation 2021683 (VCV002021683.4), dbSNP rs193922906.